The following is an entry in ClinVar:

NM_000478.6(ALPL):c.330= (p.Ser110=)

Gene: ALPL (alkaline phosphatase, biomineralization associated; plus strand). Cytogenetic location: 1p36.12.
Variant type: single nucleotide variant.
Coding change: c.330= on transcript NM_000478.6 (MANE Select); coding-DNA position 330, no change from the reference sequence.
Protein change: p.Ser110=; no amino-acid change (serine 110 retained).
Molecular consequence: no sequence alteration.
Genome position: GRCh38 VCF-style: chr1-21563142-T-T. GRCh37 (hg19) VCF-style: chr1-21889635-T-T.
Other names: c.165=, p.Ser55= (NM_001127501.4); c.99=, p.Ser33= (NM_001177520.3); c.330=, p.Ser110= (NM_001369803.2, NM_001369804.2, NM_001369805.2).
Identifiers: ClinVar variation 512674 (VCV000512674.13), dbSNP rs1780316.

ClinVar aggregate classification (germline): Benign/Likely benign. Review status: criteria provided, multiple submitters, no conflicts (2 of 4 stars). 3 submissions from 3 submitters: Benign (2); Likely benign (1). Last evaluated 2026-02-04.

Allele frequency attached by ClinVar (database versions not stated): gnomAD exomes 0.05276 and 0.05736; ExAC 0.05502; 1000 Genomes Project 0.07049; 1000 Genomes Project 30x 0.07121; gnomAD 0.07448 and 0.07689; ESP Exome Variant Server 0.07827; TOPMed 0.07859.

Submissions (3):

Labcorp Genetics (formerly Invitae), Labcorp
Classification: Benign. Last evaluated: 2026-02-04. Review status: criteria provided, single submitter. Criteria: Invitae Variant Classification Sherloc (09022015). Collection method: clinical testing. Allele origin: germline.

Athena Diagnostics
Classification: Benign. Last evaluated: 2018-01-17. Review status: criteria provided, single submitter. Criteria: Athena Diagnostics Criteria. Collection method: clinical testing. Allele origin: germline.

GeneDx
Classification: Likely benign. Last evaluated: 2017-12-21. Review status: criteria provided, single submitter. Criteria: GeneDx Variant Classification (06012015). Collection method: clinical testing. Allele origin: germline. Affected: yes.
Comment: This variant is considered likely benign or benign based on one or more of the following criteria: it is a conservative change, it occurs at a poorly conserved position in the protein, it is predicted to be benign by multiple in silico algorithms, and/or has population frequency not consistent with disease.